The following is an entry in ClinVar:

NM_000361.3(THBD):c.316C>A (p.Arg106Ser)

Gene: THBD (thrombomodulin; minus strand). Cytogenetic location: 20p11.21.
Variant type: single nucleotide variant.
Coding change: c.316C>A on transcript NM_000361.3 (MANE Select); coding-DNA position 316, C replaced by A.
Protein change: p.Arg106Ser; replaces arginine 106 with serine.
Molecular consequence: missense variant.
Genome position (GRCh38, 1-based): chr20:23,049,189, G>T on the plus strand (C>A on the coding strand, the complement: THBD is on the minus strand). VCF-style: chr20-23049189-G-T. GRCh37 (hg19) VCF-style: chr20-23029826-G-T.
Other names: short protein forms R106S.
Identifiers: ClinVar variation 4752770 (VCV004752770.1).

ClinVar aggregate classification (germline): Uncertain significance (1 of 4 stars; one submission).

gnomAD v4.1: 8 of 1,567,960 alleles (0.00051%); highest among the groups gnomAD compares: South Asian, 0.0035%; no homozygotes.

Submission:

Labcorp Genetics (formerly Invitae), Labcorp
Classification: Uncertain significance. Last evaluated: 2025-08-29. Review status: criteria provided, single submitter. Criteria: Invitae Variant Classification Sherloc (09022015). Collection method: clinical testing. Allele origin: germline.
Comment: This sequence change replaces arginine, which is basic and polar, with serine, which is neutral and polar, at codon 106 of the THBD protein (p.Arg106Ser). The frequency data for this variant in the population databases is considered unreliable, as metrics indicate poor data quality at this position in the gnomAD database. This variant has not been reported in the literature in individuals affected with THBD-related conditions. Invitae Evidence Modeling of protein sequence and biophysical properties (such as structural, functional, and spatial information, amino acid conservation, physicochemical variation, residue mobility, and thermodynamic stability) indicates that this missense variant is expected to disrupt THBD protein function with a positive predictive value of 80%. In summary, the available evidence is currently insufficient to determine the role of this variant in disease. Therefore, it has been classified as a Variant of Uncertain Significance.